The following is an entry in ClinVar:

NM_005912.3(MC4R):c.496G>A (p.Val166Ile)

Gene: MC4R (melanocortin 4 receptor; minus strand). Cytogenetic location: 18q21.32.
Variant type: single nucleotide variant.
Coding change: c.496G>A on transcript NM_005912.3 (MANE Select); coding-DNA position 496, G replaced by A.
Protein change: p.Val166Ile; replaces valine 166 with isoleucine.
Molecular consequence: missense variant.
Genome position (GRCh38, 1-based): chr18:60,371,854, C>T on the plus strand (G>A on the coding strand, the complement: MC4R is on the minus strand). VCF-style: chr18-60371854-C-T. GRCh37 (hg19) VCF-style: chr18-58039087-C-T.
Other names: short protein forms V166I.
Identifiers: ClinVar variation 562224 (VCV000562224.24), dbSNP rs942758928, ClinGen allele CA301530035.
Genomic context (GRCh38, chr18:60,371,854, plus strand): 5'-TGATGAACAAAATGCCTGAAACCGTGCAAGCTGCCCAGATACAACTTATGATGATCCCAA[C>T]CCGCTTAACTGTCATAATGTTATGGTACTGGAGAGCATAGAAGATAGTAAAGTACCTGTC-3'
Protein context (NP_005903.2, residues 156-176): QYHNIMTVKR[Val166Ile]GIIISCIWAA

ClinVar aggregate classification (germline): Conflicting classifications of pathogenicity. Review status: criteria provided, conflicting classifications (1 of 4 stars). 8 submissions from 8 submitters: Pathogenic (1); Likely pathogenic (1); Uncertain significance (4). 2 of the submissions do not count toward it. Last evaluated 2026-07-14.

Conditions:
Obesity. Also called: Obesity disorder. Identifiers: Orphanet 71529, MedGen C0028754, MeSH D009765, MONDO:0011122, HP:0001513.
MC4R-related disorder. Also called: MC4R-related condition.
BODY MASS INDEX QUANTITATIVE TRAIT LOCUS 20 (BMIQ20). Also called: MELANOCORTIN 4 RECEPTOR DEFICIENCY; MC4R DEFICIENCY. Identifiers: MedGen C4759928, OMIM 618406.

Allele frequency attached by ClinVar (database versions not stated): gnomAD exomes 0.00001; gnomAD 0.00004 and 0.00001; TOPMed 0.00006.
gnomAD v4.1: 23 of 1,614,128 alleles (0.0014%); highest among the groups gnomAD compares: East Asian, 0.022%; no homozygotes.

Submissions (8):

PreventionGenetics, part of Exact Sciences
Classification: Uncertain significance for MC4R-related condition. Last evaluated: 2026-07-14. Review status: criteria provided, single submitter. Criteria: ACMG Guidelines, 2015. Collection method: clinical testing. Allele origin: germline.
Comment: The MC4R c.496G>A variant is predicted to result in the amino acid substitution p.Val166Ile. This variant has been reported in the heterozygous state in several kindreds affected by obesity (Hinney et al. 2006. PubMed ID: 16492696; Tunç et al. 2017. PubMed ID: 28218067; Akinci et al. 2019. PubMed ID: 30991789; Aykut et al. 2020. PubMed ID: 32185475). However, in vitro studies are currently conflicting regarding the functional outcome of this amino acid change (Hinney et al. 2006. PubMed ID: 16492696; Mühlhaus et al. 2012. PubMed ID: 22688572; Lotta et al. 2019. PubMed ID: 31002796; Rovite et al. 2014. PubMed ID: 24385306). This variant is reported in 0.0033% of alleles in individuals of South Asian descent in gnomAD. At this time, the clinical significance of this variant is uncertain due to the absence of conclusive functional and genetic evidence.

Labcorp Genetics (formerly Invitae), Labcorp
Classification: Uncertain significance. Last evaluated: 2025-12-15. Review status: criteria provided, single submitter. Criteria: Invitae Variant Classification Sherloc (09022015). Collection method: clinical testing. Allele origin: germline.
Comment: This sequence change replaces valine, which is neutral and non-polar, with isoleucine, which is neutral and non-polar, at codon 166 of the MC4R protein (p.Val166Ile). This variant is present in population databases (no rsID available, gnomAD 0.003%). This missense change has been observed in individual(s) with obesity (PMID: 20966905, 22688572, 24385306, 28218067, 30719650, 30991789, 32185475, 32971154). ClinVar contains an entry for this variant (Variation ID: 562224). Invitae Evidence Modeling of protein sequence and biophysical properties (such as structural, functional, and spatial information, amino acid conservation, physicochemical variation, residue mobility, and thermodynamic stability) indicates that this missense variant is not expected to disrupt MC4R protein function with a negative predictive value of 80%. Experimental studies are conflicting or provide insufficient evidence to determine the effect of this variant on MC4R function (PMID: 19011902, 24385306, 31002796). In summary, the available evidence is currently insufficient to determine the role of this variant in disease. Therefore, it has been classified as a Variant of Uncertain Significance.

3billion
Classification: Likely pathogenic for BODY MASS INDEX QUANTITATIVE TRAIT LOCUS 20. Last evaluated: 2025-09-29. Review status: criteria provided, single submitter. Criteria: ACMG Guidelines, 2015. Collection method: clinical testing. Allele origin: germline. Affected: yes.
Comment: The variant is observed at an extremely low frequency in the gnomAD v4.1.0 dataset (total allele frequency: 0.001%). Predicted Consequence/Location: Missense variant Functional studies provide moderate evidence of the variant having a damaging effect on the gene or gene product (PMID: 16492696). The same nucleotide change resulting in the same amino acid change has been previously reported as pathogenic/likely pathogenic with strong evidence (ClinVar ID: VCV000562224 /PMID: 16492696 /3billion dataset). Therefore, this variant is classified as Likely pathogenic according to the recommendation of ACMG/AMP guideline.

CeGaT Center for Human Genetics Tuebingen
Classification: Uncertain significance. Last evaluated: 2025-02-01. Review status: criteria provided, single submitter. Criteria: CeGaT Center For Human Genetics Tuebingen Variant Classification Criteria Version 2. Collection method: clinical testing. Allele origin: germline. Affected: yes. Observed: 1 variant allele.
Comment: MC4R: PM2, BP4

Fulgent Genetics
Classification: Pathogenic for BODY MASS INDEX QUANTITATIVE TRAIT LOCUS 20. Last evaluated: 2021-06-30. Review status: criteria provided, single submitter. Criteria: ACMG Guidelines, 2015. Collection method: clinical testing. Allele origin: unknown.
Comment: This variant has been detected in individual(s) who were sent for testing of Renasight - kidney gene panel.

Juno Genomics, Hangzhou Juno Genomics, Inc
Classification: Uncertain significance for BODY MASS INDEX QUANTITATIVE TRAIT LOCUS 20. Review status: criteria provided, single submitter. Criteria: ACMG Guidelines, 2015. Collection method: clinical testing. Allele origin: germline.
Comment: Multiple lines of computational evidence suggest no impact on gene or gene product.;The prevalence of the variant in affected individuals is significantly increased compared to the prevalence in controls.

Zotz-Klimas Genetics Lab, MVZ Zotz Klimas
Classification: Pathogenic for BODY MASS INDEX QUANTITATIVE TRAIT LOCUS 20. Last evaluated: 2023-11-24. Review status: no assertion criteria provided. Collection method: clinical testing. Allele origin: germline. Affected: yes. Not counted in ClinVar's aggregate classification.

Medical Research Institute, Tokyo Medical and Dental University
Classification: Pathogenic for Obesity. Last evaluated: 2017-10-04. Review status: no assertion criteria provided. Collection method: research. Allele origin: germline. Affected: yes. Observed: 1 variant allele. Not counted in ClinVar's aggregate classification.
Comment: Next generation sequencing

Literature cited by the submitters: PubMed 20966905 (cited by Labcorp Genetics (formerly Invitae), Labcorp); PubMed 22688572 (cited by Labcorp Genetics (formerly Invitae), Labcorp); PubMed 24385306 (cited by Labcorp Genetics (formerly Invitae), Labcorp); PubMed 28218067 (cited by Labcorp Genetics (formerly Invitae), Labcorp); PubMed 30719650 (cited by Labcorp Genetics (formerly Invitae), Labcorp); PubMed 30991789 (cited by Labcorp Genetics (formerly Invitae), Labcorp); PubMed 32185475 (cited by Labcorp Genetics (formerly Invitae), Labcorp); PubMed 32971154 (cited by Labcorp Genetics (formerly Invitae), Labcorp); PubMed 19011902 (cited by Labcorp Genetics (formerly Invitae), Labcorp); PubMed 31002796 (cited by Labcorp Genetics (formerly Invitae), Labcorp); PubMed 16492696 (cited by 3billion).